The following is an entry in ClinVar:

NM_152268.4(PARS2):c.141G>T (p.Gln47His)

Gene: PARS2 (prolyl-tRNA synthetase 2, mitochondrial; minus strand). Cytogenetic location: 1p32.3.
Variant type: single nucleotide variant.
Coding change: c.141G>T on transcript NM_152268.4 (MANE Select); coding-DNA position 141, G replaced by T.
Protein change: p.Gln47His; replaces glutamine 47 with histidine.
Molecular consequence: missense variant.
Genome position (GRCh38, 1-based): chr1:54,759,021, C>A on the plus strand (G>T on the coding strand, the complement: PARS2 is on the minus strand). VCF-style: chr1-54759021-C-A. GRCh37 (hg19) VCF-style: chr1-55224694-C-A.
Other names: short protein forms Q47H.
Identifiers: ClinVar variation 2016872 (VCV002016872.4), dbSNP rs2524477060, ClinGen allele CA340466611.
Genomic context (GRCh38, chr1:54,759,021, plus strand): 5'-GGTCAGGTCATCAGATTTGTCCTGCAGGGAGAGCACCCGGTCTTCCCGAAGGTTCTGTGG[C>A]TGGAACACACGAGACAGCAGCAGGCGCCGCCCTCTTCTTGGGGCACAGTGGTGAAACCTG-3'
Protein context (NP_689481.2, residues 37-57): GRRLLLSRVF[Gln47His]PQNLREDRVL

ClinVar aggregate classification (germline): Uncertain significance (1 of 4 stars; one submission).

Submission:

Labcorp Genetics (formerly Invitae), Labcorp
Classification: Uncertain significance. Last evaluated: 2022-11-01. Review status: criteria provided, single submitter. Criteria: Invitae Variant Classification Sherloc (09022015). Collection method: clinical testing. Allele origin: germline.
Comment: In summary, the available evidence is currently insufficient to determine the role of this variant in disease. Therefore, it has been classified as a Variant of Uncertain Significance. Algorithms developed to predict the effect of sequence changes on RNA splicing suggest that this variant may create or strengthen a splice site. Algorithms developed to predict the effect of missense changes on protein structure and function are either unavailable or do not agree on the potential impact of this missense change (SIFT: "Tolerated"; PolyPhen-2: "Probably Damaging"; Align-GVGD: "Class C0"). This variant has not been reported in the literature in individuals affected with PARS2-related conditions. This variant is not present in population databases (gnomAD no frequency). This sequence change replaces glutamine, which is neutral and polar, with histidine, which is basic and polar, at codon 47 of the PARS2 protein (p.Gln47His).